The following is an entry in ClinVar:

NM_001042492.3(NF1):c.1642-12T>A

Gene: NF1 (neurofibromin 1; plus strand). Cytogenetic location: 17q11.2.
Variant type: single nucleotide variant.
Coding change: c.1642-12T>A on transcript NM_001042492.3 (MANE Select); 12 bases into the intron before coding-DNA position 1642, T replaced by A.
Molecular consequence: intron variant.
Genome position (GRCh38, 1-based): chr17:31,221,838, T>A. VCF-style: chr17-31221838-T-A. GRCh37 (hg19) VCF-style: chr17-29548856-T-A.
Other names: c.1642-12T>A (NM_000267.4, NM_001128147.3).
Identifiers: ClinVar variation 1315690 (VCV001315690.5), dbSNP rs2066926774, ClinGen allele CA982970578.
Genomic context (GRCh38, chr17:31,221,838, plus strand): 5'-CTCCAGTGTTATGTTTACCAAAAATGTTTGAGTGAGTCTTCTCTTTGTCTTTCTCTTTTT[T>A]AAAAAATTCAGGCTCTGCTGGTTCTTCATCAGTTAGATAGCATTGATTTGTGGAATCCTG-3'

ClinVar aggregate classification (germline): Conflicting classifications of pathogenicity. Review status: criteria provided, conflicting classifications (1 of 4 stars). 2 submissions from 2 submitters: Uncertain significance (1); Likely benign (1). Last evaluated 2025-04-07.

Conditions:
Neurofibromatosis, type 1 (NF1). Also called: NEUROFIBROMATOSIS, TYPE I, SOMATIC; Peripheral type neurofibromatosis; Neurofibromatosis, type I; VON RECKLINGHAUSEN DISEASE. Identifiers: Orphanet 636, MedGen C0027831, MONDO:0018975, OMIM 162200. Disease mechanism: loss of function.

Allele frequency attached by ClinVar (database versions not stated): TOPMed below 0.00001; gnomAD 0.00001.
gnomAD v4.1: 8 of 1,591,194 alleles (0.0005%); highest among the groups gnomAD compares: East Asian, 0.0022%; no homozygotes.

Submissions (2):

Labcorp Genetics (formerly Invitae), Labcorp
Classification: Likely benign for Neurofibromatosis, type 1. Last evaluated: 2025-04-07. Review status: criteria provided, single submitter. Criteria: Invitae Variant Classification Sherloc (09022015). Collection method: clinical testing. Allele origin: germline.

GeneDx
Classification: Uncertain significance. Last evaluated: 2019-06-18. Review status: criteria provided, single submitter. Criteria: GeneDx Variant Classification Process June 2021. Collection method: clinical testing. Allele origin: germline. Affected: yes.
Comment: Not observed in large population cohorts (Lek et al., 2016); Has not been previously published as pathogenic or benign to our knowledge; In-silico analysis, which includes splice predictors and evolutionary conservation, is inconclusive as to whether the variant alters gene splicing. In the absence of RNA/functional studies, the actual effect of this sequence change is unknown.